The following is an entry in ClinVar:

NM_020884.7(MYH7B):c.4246G>A (p.Ala1416Thr)

Gene: MYH7B (myosin heavy chain 7B; plus strand). Cytogenetic location: 20q11.22.
Variant type: single nucleotide variant.
Coding change: c.4246G>A on transcript NM_020884.7 (MANE Select); coding-DNA position 4246, G replaced by A.
Protein change: p.Ala1416Thr; replaces alanine 1416 with threonine.
Molecular consequence: missense variant.
Genome position (GRCh38, 1-based): chr20:34,999,111, G>A. VCF-style: chr20-34999111-G-A. GRCh37 (hg19) VCF-style: chr20-33586914-G-A.
Other names: c.4372G>A (NM_020884.3); short protein forms A1416T.
Identifiers: ClinVar variation 1988645 (VCV001988645.6), dbSNP rs773775235, ClinGen allele CA9828048.
Genomic context (GRCh38, chr20:34,999,111, plus strand): 5'-CCTAGAAAAAAGCTGGCACTGCGGCTGCAGGAGGCAGAGGAGGGCGTGGAGGCTGCCAAC[G>A]CCAAGTGCTCATCGTTGGAGAAGGCCAAGCTGCGGCTACAGACAGAGTCAGAGGATGTAA-3'
Protein context (NP_065935.4, residues 1406-1426): EAEEGVEAAN[Ala1416Thr]KCSSLEKAKL

ClinVar aggregate classification (germline): Uncertain significance. Review status: criteria provided, multiple submitters, no conflicts (2 of 4 stars). 2 submissions from 2 submitters: Uncertain significance (2). Last evaluated 2026-01-17.

Allele frequency attached by ClinVar (database versions not stated): ExAC 0.00002; gnomAD 0.00002; gnomAD exomes 0.00002; TOPMed 0.00002.
gnomAD v4.1: 32 of 1,613,332 alleles (0.002%); highest among the groups gnomAD compares: Middle Eastern, 0.099%; no homozygotes.

Submissions (2):

Labcorp Genetics (formerly Invitae), Labcorp
Classification: Uncertain significance. Last evaluated: 2026-01-17. Review status: criteria provided, single submitter. Criteria: Invitae Variant Classification Sherloc (09022015). Collection method: clinical testing. Allele origin: germline.
Comment: This sequence change replaces alanine, which is neutral and non-polar, with threonine, which is neutral and polar, at codon 1458 of the MYH7B protein (p.Ala1458Thr). This variant is present in population databases (rs773775235, gnomAD 0.02%). This variant has not been reported in the literature in individuals affected with MYH7B-related conditions. ClinVar contains an entry for this variant (Variation ID: 1988645). Invitae Evidence Modeling of protein sequence and biophysical properties (such as structural, functional, and spatial information, amino acid conservation, physicochemical variation, residue mobility, and thermodynamic stability) indicates that this missense variant is not expected to disrupt MYH7B protein function with a negative predictive value of 80%. In summary, the available evidence is currently insufficient to determine the role of this variant in disease. Therefore, it has been classified as a Variant of Uncertain Significance.

Ambry Genetics
Classification: Uncertain significance. Last evaluated: 2023-05-23. Review status: criteria provided, single submitter. Criteria: Ambry Variant Classification Scheme 2023. Collection method: clinical testing. Allele origin: germline.